The following is an entry in ClinVar:

ClinVar aggregate classification (germline): Pathogenic (0 of 4 stars; one submission).

Conditions:
Abnormality of neuronal migration. Identifiers: MedGen C1837249, HP:0002269.

Submission:

Génétique et pathophysiologie de maladies neurodéveloppementales et épileptogènes, Institut de génétique et de biologie moléculaire et cellulaire
Classification: Pathogenic for Malformation of Cortical Development. Last evaluated: 2014-10-31. Review status: no assertion criteria provided. Collection method: clinical testing. Allele origin: maternal. Affected: yes. Observed: 4 variant alleles, 2 heterozygotes, 2 compound heterozygotes.

NM_001083961.1(WDR62):c.[2515C>T];[3304C>T]

Variant type: CompoundHeterozygote.
Identifiers: ClinVar variation 424738 (VCV000424738.2).